The following is an entry in ClinVar:

ClinVar aggregate classification (germline): Uncertain significance (1 of 4 stars; one submission).

Conditions:
Inborn genetic diseases. Identifiers: MedGen C0950123, MeSH D030342.

Submission:

Ambry Genetics
Classification: Uncertain significance for Inborn genetic diseases. Last evaluated: 2024-12-15. Review status: criteria provided, single submitter. Criteria: Ambry Variant Classification Scheme 2023. Collection method: clinical testing. Allele origin: germline.
Comment: The p.V993I variant (also known as c.2977G>A), located in coding exon 29 of the RTEL1 gene, results from a G to A substitution at nucleotide position 2977. The valine at codon 993 is replaced by isoleucine, an amino acid with highly similar properties. This amino acid position is conserved. In addition, this alteration is predicted to be tolerated by in silico analysis. Based on the available evidence, the clinical significance of this variant remains unclear.

NM_001283009.2(RTEL1):c.2977G>A (p.Val993Ile)

Genes: RTEL1 (regulator of telomere elongation helicase 1; plus strand), RTEL1-TNFRSF6B (RTEL1-TNFRSF6B readthrough (NMD candidate); plus strand). Cytogenetic location: 20q13.33.
Variant type: single nucleotide variant.
Coding change: c.2977G>A on transcript NM_001283009.2 (MANE Select); coding-DNA position 2977, G replaced by A.
Protein change: p.Val993Ile; replaces valine 993 with isoleucine.
Molecular consequence: missense variant. On other transcripts: non-coding transcript variant (1).
Genome position (GRCh38, 1-based): chr20:63,693,268, G>A. VCF-style: chr20-63693268-G-A. GRCh37 (hg19) VCF-style: chr20-62324621-G-A.
Other names: c.2308G>A, p.Val770Ile (NM_001283010.1); c.2977G>A, p.Val993Ile (NM_016434.4); c.3049G>A, p.Val1017Ile (NM_032957.5); short protein forms V1017I, V770I, V993I.
Identifiers: ClinVar variation 3790970 (VCV003790970.1).